The following is an entry in ClinVar:

NM_004595.5(SMS):c.923A>G (p.Gln308Arg)

Gene: SMS (spermine synthase; plus strand). Cytogenetic location: Xp22.11.
Variant type: single nucleotide variant.
Coding change: c.923A>G on transcript NM_004595.5 (MANE Select); coding-DNA position 923, A replaced by G.
Protein change: p.Gln308Arg; replaces glutamine 308 with arginine.
Molecular consequence: missense variant.
Genome position (GRCh38, 1-based): chrX:21,985,201, A>G. VCF-style: chrX-21985201-A-G. GRCh37 (hg19) VCF-style: chrX-22003319-A-G.
Other names: c.764A>G, p.Gln255Arg (NM_001258423.2); short protein forms Q255R, Q308R.
Identifiers: ClinVar variation 3342355 (VCV003342355.2).
Genomic context (GRCh38, chrX:21,985,201, plus strand): 5'-CAGATTCCACATGGGAGTTTCTCAGACTGATTCTTGACCTCTCAATGAAAGTGTTGAAAC[A>G]GGATGGGAAATATTTTACACAGGTAGGCTACTTAACAGTTTTTTCCCTCAAAACGCTCTA-3'
Protein context (NP_004586.2, residues 298-318): ILDLSMKVLK[Gln308Arg]DGKYFTQGNC

ClinVar aggregate classification (germline): Uncertain significance (1 of 4 stars; one submission).

Submission:

GeneDx
Classification: Uncertain significance. Last evaluated: 2025-02-18. Review status: criteria provided, single submitter. Criteria: GeneDx Variant Classification Process June 2021. Collection method: clinical testing. Allele origin: germline.
Comment: In silico analysis indicates that this missense variant does not alter protein structure/function; Has not been previously published as pathogenic or benign to our knowledge